The following is an entry in ClinVar:

ClinVar aggregate classification (germline): Uncertain significance (1 of 4 stars; one submission).

Allele frequency attached by ClinVar (database versions not stated): ExAC 0.00001; gnomAD exomes 0.00001.
gnomAD v4.1: 4 of 1,614,170 alleles (0.00025%); highest among the groups gnomAD compares: South Asian, 0.0022%; no homozygotes.

Submission:

Ambry Genetics
Classification: Uncertain significance. Last evaluated: 2024-01-11. Review status: criteria provided, single submitter. Criteria: Ambry Variant Classification Scheme 2023. Collection method: clinical testing. Allele origin: germline.
Comment: The p.S1475N variant (also known as c.4424G>A), located in coding exon 40 of the KIF1B gene, results from a G to A substitution at nucleotide position 4424. The serine at codon 1475 is replaced by asparagine, an amino acid with highly similar properties. This amino acid position is well conserved in available vertebrate species. In addition, this alteration is predicted to be tolerated by in silico analysis. Since supporting evidence is limited at this time, the clinical significance of this alteration remains unclear.

NM_001365951.3(KIF1B):c.4562G>A (p.Ser1521Asn)

Gene: KIF1B (kinesin family member 1B; plus strand). Cytogenetic location: 1p36.22.
Variant type: single nucleotide variant.
Coding change: c.4562G>A on transcript NM_001365951.3 (MANE Select); coding-DNA position 4562, G replaced by A.
Protein change: p.Ser1521Asn; replaces serine 1521 with asparagine.
Molecular consequence: missense variant.
Genome position (GRCh38, 1-based): chr1:10,365,458, G>A. VCF-style: chr1-10365458-G-A. GRCh37 (hg19) VCF-style: chr1-10425516-G-A.
Other names: c.4562G>A, p.Ser1521Asn (NM_001365952.1); c.4424G>A, p.Ser1475Asn (NM_015074.3); short protein forms S1475N, S1521N.
Identifiers: ClinVar variation 1740501 (VCV001740501.2), dbSNP rs773321559, ClinGen allele CA582123.